The following is an entry in ClinVar:

ClinVar aggregate classification (germline): Benign/Likely benign. Review status: criteria provided, multiple submitters, no conflicts (2 of 4 stars). 4 submissions from 4 submitters: Benign (1); Likely benign (3). Last evaluated 2025-11-11.

Conditions:
Hereditary nonpolyposis colorectal neoplasms. Identifiers: MedGen C0009405, MeSH D003123.
Hereditary cancer-predisposing syndrome. Also called: Hereditary neoplastic syndrome; Neoplastic Syndromes, Hereditary; Tumor predisposition; Hereditary Cancer Syndrome. Identifiers: Orphanet 140162, MedGen C0027672, MeSH D009386, MONDO:0015356.
Lynch syndrome 5 (LYNCH5). Also called: Hereditary non-polyposis colorectal cancer, type 5; Colorectal cancer, hereditary nonpolyposis, type 5. Identifiers: Orphanet 144, MedGen C1833477, MONDO:0013710, OMIM 614350. Disease mechanism: loss of function.

Allele frequency attached by ClinVar (database versions not stated): gnomAD exomes below 0.00001.
gnomAD v4.1: 1 of 1,614,004 alleles (0.000062%); highest among the groups gnomAD compares: Non-Finnish European, 0.000085%; no homozygotes.

Submissions (4):

Labcorp Genetics (formerly Invitae), Labcorp
Classification: Likely benign for Hereditary nonpolyposis colorectal neoplasms. Last evaluated: 2025-11-11. Review status: criteria provided, single submitter. Criteria: Invitae Variant Classification Sherloc (09022015). Collection method: clinical testing. Allele origin: germline.

Color Diagnostics, LLC DBA Color Health
Classification: Likely benign for Hereditary cancer-predisposing syndrome. Last evaluated: 2025-06-23. Review status: criteria provided, single submitter. Criteria: ACMG Guidelines, 2015. Collection method: clinical testing. Allele origin: germline.

Myriad Genetics, Inc.
Classification: Benign for Lynch syndrome 5. Last evaluated: 2024-12-18. Review status: criteria provided, single submitter. Criteria: Myriad Autosomal Dominant, Autosomal Recessive and X-Linked Classification Criteria (2023). Collection method: clinical testing. Allele origin: unknown.
Comment: This variant is considered benign. This variant is a silent/synonymous amino acid change and it is not expected to impact splicing.

Ambry Genetics
Classification: Likely benign for Hereditary cancer-predisposing syndrome. Last evaluated: 2014-09-09. Review status: criteria provided, single submitter. Criteria: Ambry Variant Classification Scheme 2023. Collection method: clinical testing. Allele origin: germline.

NM_000179.3(MSH6):c.471G>A (p.Lys157=)

Gene: MSH6 (mutS homolog 6; plus strand). Cytogenetic location: 2p16.3.
Variant type: single nucleotide variant.
Coding change: c.471G>A on transcript NM_000179.3 (MANE Select); coding-DNA position 471, G replaced by A.
Protein change: p.Lys157=; no amino-acid change (lysine 157 retained).
Molecular consequence: synonymous variant. On other transcripts: 5 prime UTR variant (1), intron variant (2).
Genome position (GRCh38, 1-based): chr2:47,795,907, G>A. VCF-style: chr2-47795907-G-A. GRCh37 (hg19) VCF-style: chr2-48023046-G-A.
Other names: c.-432G>A (NM_001281494.2); c.-279-2704G>A (NM_001281493.2); c.238-2704G>A (NM_001281492.2).
Identifiers: ClinVar variation 186097 (VCV000186097.18), dbSNP rs786202690, ClinGen allele CA015680.